The following is an entry in ClinVar:

NM_005060.4(RORC):c.1391C>T (p.Ala464Val)

Gene: RORC (RAR related orphan receptor C; minus strand). Cytogenetic location: 1q21.3.
Variant type: single nucleotide variant.
Coding change: c.1391C>T on transcript NM_005060.4 (MANE Select); coding-DNA position 1391, C replaced by T.
Protein change: p.Ala464Val; replaces alanine 464 with valine.
Molecular consequence: missense variant.
Genome position (GRCh38, 1-based): chr1:151,811,329, G>A on the plus strand (C>T on the coding strand, the complement: RORC is on the minus strand). VCF-style: chr1-151811329-G-A. GRCh37 (hg19) VCF-style: chr1-151783805-G-A.
Other names: c.1328C>T, p.Ala443Val (NM_001001523.2); short protein forms A443V, A464V.
Identifiers: ClinVar variation 847733 (VCV000847733.5), dbSNP rs113195254, ClinGen allele CA1095676.
Genomic context (GRCh38, chr1:151,811,329, plus strand): 5'-GATGTTACAGAGCTAGCGATGGGCCTGGCCTCTTCTACCCCAGGGACTGCTCCTACCTTT[G>A]CCAGGATGCTTTGGCGATGAGTCTTGCAGAGATGATGATGAAAGGCCAGCTCCAGATTGT-3'
Protein context (NP_005051.2, residues 454-474): LCKTHRQSIL[Ala464Val]KLPPKGKLRS

ClinVar aggregate classification (germline): Uncertain significance (1 of 4 stars; one submission).

Conditions:
Autosomal recessive mendelian susceptibility to mycobacterial diseases due to complete RORgamma receptor deficiency. Also called: Immunodeficiency 42. Identifiers: Orphanet 477857, MedGen C5567647, MONDO:0014710, OMIM 616622.

Allele frequency attached by ClinVar (database versions not stated): 1000 Genomes Project 30x 0.00016; TOPMed 0.00029.
gnomAD v4.1: 57 of 1,609,832 alleles (0.0035%); highest among the groups gnomAD compares: African/African-American, 0.072%; no homozygotes.

Submission:

Labcorp Genetics (formerly Invitae), Labcorp
Classification: Uncertain significance for Autosomal recessive mendelian susceptibility to mycobacterial diseases due to complete RORgamma receptor deficiency. Last evaluated: 2021-11-24. Review status: criteria provided, single submitter. Criteria: Invitae Variant Classification Sherloc (09022015). Collection method: clinical testing. Allele origin: germline.
Comment: This sequence change replaces alanine, which is neutral and non-polar, with valine, which is neutral and non-polar, at codon 464 of the RORC protein (p.Ala464Val). This variant is present in population databases (rs113195254, gnomAD 0.09%). This variant has not been reported in the literature in individuals affected with RORC-related conditions. ClinVar contains an entry for this variant (Variation ID: 847733). Algorithms developed to predict the effect of missense changes on protein structure and function (SIFT, PolyPhen-2, Align-GVGD) all suggest that this variant is likely to be tolerated. Algorithms developed to predict the effect of sequence changes on RNA splicing suggest that this variant may create or strengthen a splice site. In summary, the available evidence is currently insufficient to determine the role of this variant in disease. Therefore, it has been classified as a Variant of Uncertain Significance.